The following is an entry in ClinVar:

NM_001271.4(CHD2):c.2125C>T (p.Leu709Phe)

Gene: CHD2 (chromodomain helicase DNA binding protein 2; plus strand). Cytogenetic location: 15q26.1.
Variant type: single nucleotide variant.
Coding change: c.2125C>T on transcript NM_001271.4 (MANE Select); coding-DNA position 2125, C replaced by T.
Protein change: p.Leu709Phe; replaces leucine 709 with phenylalanine.
Molecular consequence: missense variant.
Genome position (GRCh38, 1-based): chr15:92,967,449, C>T. VCF-style: chr15-92967449-C-T. GRCh37 (hg19) VCF-style: chr15-93510679-C-T.
Other names: short protein forms L709F.
Identifiers: ClinVar variation 1523352 (VCV001523352.6), dbSNP rs2141830674, ClinGen allele CA393907271.

ClinVar aggregate classification (germline): Uncertain significance (1 of 4 stars; one submission).

Conditions:
Developmental and epileptic encephalopathy 94 (DEE94). Also called: Epileptic encephalopathy, childhood-onset; CHD2-Related Neurodevelopmental Disorders. Identifiers: Orphanet 1942, Orphanet 2382, MedGen C3809278, MONDO:0014150, OMIM 615369.

Submission:

Labcorp Genetics (formerly Invitae), Labcorp
Classification: Uncertain significance for Developmental and epileptic encephalopathy 94. Last evaluated: 2021-10-07. Review status: criteria provided, single submitter. Criteria: Invitae Variant Classification Sherloc (09022015). Collection method: clinical testing. Allele origin: germline.
Comment: This sequence change replaces leucine with phenylalanine at codon 709 of the CHD2 protein (p.Leu709Phe). The leucine residue is highly conserved and there is a small physicochemical difference between leucine and phenylalanine. This variant is not present in population databases (ExAC no frequency). This variant has not been reported in the literature in individuals affected with CHD2-related conditions. Advanced modeling of protein sequence and biophysical properties (such as structural, functional, and spatial information, amino acid conservation, physicochemical variation, residue mobility, and thermodynamic stability) performed at Invitae indicates that this missense variant is expected to disrupt CHD2 protein function. In summary, the available evidence is currently insufficient to determine the role of this variant in disease. Therefore, it has been classified as a Variant of Uncertain Significance.